The following is an entry in ClinVar:

NM_014738.6(TMEM94):c.618C>T (p.Asp206=)

Gene: TMEM94 (transmembrane protein 94; plus strand). Cytogenetic location: 17q25.1.
Variant type: single nucleotide variant.
Coding change: c.618C>T on transcript NM_014738.6 (MANE Select); coding-DNA position 618, C replaced by T.
Protein change: p.Asp206=; no amino-acid change (aspartic acid 206 retained).
Molecular consequence: synonymous variant.
Genome position (GRCh38, 1-based): chr17:75,488,764, C>T. VCF-style: chr17-75488764-C-T. GRCh37 (hg19) VCF-style: chr17-73484845-C-T.
Other names: c.648C>T, p.Asp216= (NM_001321148.2, NM_001351203.2); c.618C>T, p.Asp206= (NM_001321149.2, NM_001351202.2).
Identifiers: ClinVar variation 1298724 (VCV001298724.36), dbSNP rs138567165, ClinGen allele CA8761534.

ClinVar aggregate classification (germline): Likely benign. Review status: criteria provided, multiple submitters, no conflicts (2 of 4 stars). 3 submissions from 3 submitters: Likely benign (3). Last evaluated 2026-09-01.

Allele frequency attached by ClinVar (database versions not stated): 1000 Genomes Project 30x 0.00203; 1000 Genomes Project 0.00240; gnomAD 0.00341 and 0.00342; TOPMed 0.00342; ESP Exome Variant Server 0.00392; gnomAD exomes 0.00415.
gnomAD v4.1: 6,648 of 1,613,768 alleles (0.41%); highest among the groups gnomAD compares: Middle Eastern, 0.94%; 24 homozygotes.

Submissions (3):

CeGaT Center for Human Genetics Tuebingen
Classification: Likely benign. Last evaluated: 2026-09-01. Review status: criteria provided, single submitter. Criteria: CeGaT Center For Human Genetics Tuebingen Variant Classification Criteria Version 2. Collection method: clinical testing. Allele origin: germline. Affected: yes. Observed: 22 variant alleles.
Comment: TMEM94: BP4, BP7, BS2

Blueprint Genetics
Classification: Likely benign. Last evaluated: 2024-11-25. Review status: criteria provided, single submitter. Criteria: ACMG Guidelines, 2015. Collection method: clinical testing. Allele origin: germline.

Breakthrough Genomics
Classification: Likely benign. Review status: criteria provided, single submitter. Criteria: ACMG Guidelines, 2015. Collection method: not provided. Allele origin: germline. Inheritance: Autosomal recessive inheritance. Affected: yes.